The following is an entry in ClinVar:

NM_020457.3(THAP11):c.339ACAGCAGCA[3] (p.Gln132_Ser133insGlnGlnGln)

Genes: CENPT (centromere protein T; minus strand), THAP11 (THAP domain containing 11; plus strand). Cytogenetic location: 16q22.1.
Variant type: Microsatellite.
Coding change: c.339ACAGCAGCA[3] on transcript NM_020457.3 (MANE Select); three copies in a row of the 9-base unit ACAGCAGCA starting at c.339; the reference has two copies in a row; one copy, 9 bases duplicated.
Protein change: p.Gln132_Ser133insGlnGlnGln.
Molecular consequence: inframe insertion. On other transcripts: intron variant (1).
Genome position (GRCh38, 1-based): chr16:67,842,902-67,842,910, ACAGCAGCA duplicated; duplicating any 9 consecutive bases within chr16:67,842,885-67,842,910 gives the same sequence; the position shown is the placement nearest the transcript's 3' end. VCF-style (leftmost placement, unchanged base first): chr16-67842884-G-GCAGCAGCAA. GRCh37 (hg19) VCF-style: chr16-67876787-G-GCAGCAGCAA.
Other names: c.-492+4499TTGCTGCTG[3] (NM_025082.4).
Identifiers: ClinVar variation 2193874 (VCV002193874.4), dbSNP rs746671619, ClinGen allele CA8118182.
Genomic context (GRCh38, chr16:67,842,884, plus strand): 5'-AGCGCGCAGACCCGCTGGGGCCGCGGCCGCCCGCCGCAGGCAGCAGCAGCAACAGCAGCA[G>GCAGCAGCAA]CAGCAGCAACAGCAGCAACAGCAGCAGCAGCAGCAACAGCAGCAGCAGCAGCAGCAGCAG-3'

ClinVar aggregate classification (germline): Uncertain significance (1 of 4 stars; one submission).

Submission:

Labcorp Genetics (formerly Invitae), Labcorp
Classification: Uncertain significance. Last evaluated: 2025-08-08. Review status: criteria provided, single submitter. Criteria: Invitae Variant Classification Sherloc (09022015). Collection method: clinical testing. Allele origin: germline.
Comment: This variant, c.348_356dup, results in the insertion of 3 amino acid(s) of the THAP11 protein (p.Gln130_Gln132dup), but otherwise preserves the integrity of the reading frame. The frequency data for this variant in the population databases is considered unreliable, as metrics indicate poor data quality at this position in the gnomAD database. This variant has not been reported in the literature in individuals affected with THAP11-related conditions. In summary, the available evidence is currently insufficient to determine the role of this variant in disease. Therefore, it has been classified as a Variant of Uncertain Significance.